The following is an entry in ClinVar:

NM_000180.4(GUCY2D):c.1749+1G>A

Gene: GUCY2D (guanylate cyclase 2D, retinal; plus strand). Cytogenetic location: 17p13.1.
Variant type: single nucleotide variant.
Coding change: c.1749+1G>A on transcript NM_000180.4 (MANE Select); the canonical splice donor site of the intron after coding-DNA position 1749, G replaced by A.
Molecular consequence: splice donor variant.
Genome position (GRCh38, 1-based): chr17:8,009,587, G>A. VCF-style: chr17-8009587-G-A. GRCh37 (hg19) VCF-style: chr17-7912905-G-A.
Identifiers: ClinVar variation 1066403 (VCV001066403.9), dbSNP rs2151801563, ClinGen allele CA397950597.
Genomic context (GRCh38, chr17:8,009,587, plus strand): 5'-AAATTCCCAGGGGATCAGCACATAGCTATCCGCCCAGCAACCAAGACGGCCTTCTCCAAG[G>A]TGAGACTTGGGCCTGTGATGGGGCCTAGGTGGCCATCGGTTTCTCCCTCCTTGCCTTCTC-3'

ClinVar aggregate classification (germline): Likely pathogenic (1 of 4 stars; one submission).

Conditions:
Leber congenital amaurosis 1 (LCA1). Also called: AMAUROSIS CONGENITA OF LEBER I; RETINAL BLINDNESS, CONGENITAL; Congenital absence of the rods and cones; Leber's congenital tapetoretinal degeneration; Leber's congenital tapetoretinal dysplasia. Identifiers: Orphanet 65, MedGen C2931258, MONDO:0008764, OMIM 204000.
Cone-rod dystrophy 6 (CORD6). Also called: RETINAL CONE DYSTROPHY 2; Cone dystrophy progressive. Identifiers: Orphanet 1872, MedGen C1866293, MONDO:0011143, OMIM 601777.

Submission:

Labcorp Genetics (formerly Invitae), Labcorp
Classification: Likely pathogenic for Leber congenital amaurosis 1; Cone-rod dystrophy 6. Last evaluated: 2022-02-03. Review status: criteria provided, single submitter. Criteria: Invitae Variant Classification Sherloc (09022015). Collection method: clinical testing. Allele origin: germline.
Comment: In summary, the currently available evidence indicates that the variant is pathogenic, but additional data are needed to prove that conclusively. Therefore, this variant has been classified as Likely Pathogenic. Algorithms developed to predict the effect of sequence changes on RNA splicing suggest that this variant may disrupt the consensus splice site. ClinVar contains an entry for this variant (Variation ID: 1066403). Disruption of this splice site has been observed in individual(s) with inherited retinal dystrophy (PMID: 21602930). This variant is not present in population databases (gnomAD no frequency). This sequence change affects a donor splice site in intron 8 of the GUCY2D gene. It is expected to disrupt RNA splicing. Variants that disrupt the donor or acceptor splice site typically lead to a loss of protein function (PMID: 16199547), and loss-of-function variants in GUCY2D are known to be pathogenic (PMID: 10951519, 11328726).

Literature cited by the submitters: PubMed 21602930; PubMed 16199547; PubMed 10951519; PubMed 11328726.